The following is an entry in ClinVar:

NM_001267550.2(TTN):c.24226+1G>T

Gene: TTN (titin; minus strand). Cytogenetic location: 2q31.2.
Variant type: single nucleotide variant.
Coding change: c.24226+1G>T on transcript NM_001267550.2 (MANE Select); the canonical splice donor site of the intron after coding-DNA position 24226, G replaced by T.
Molecular consequence: splice donor variant. On other transcripts: intron variant (3).
Genome position (GRCh38, 1-based): chr2:178,719,163, C>A on the plus strand (G>T on the coding strand, the complement: TTN is on the minus strand). VCF-style: chr2-178719163-C-A. GRCh37 (hg19) VCF-style: chr2-179583890-C-A.
Other names: c.13282+18919G>T (NM_003319.4); c.13858+18919G>T (NM_133437.4); c.13657+18919G>T (NM_133432.3); c.20494+1G>T (NM_133378.4); c.23275+1G>T (NM_001256850.1).
Identifiers: ClinVar variation 3755305 (VCV003755305.2).
Genomic context (GRCh38, chr2:178,719,163, plus strand): 5'-GGCACCACGTCCACATGAAAGAGGTGTTAGAGAAGCAGCAGCTTTATCCTTGCACACTGA[C>A]CTTGCACAGTCAGGACTGCTGAGCACTCATCGGAACCAGCTACATTGGCAGCCACACACG-3'

ClinVar aggregate classification (germline): Likely pathogenic (1 of 4 stars; one submission).

Conditions:
Dilated cardiomyopathy 1G (CMD1G). Identifiers: Orphanet 154, MedGen C1858763, MONDO:0011400, OMIM 604145.
Autosomal recessive limb-girdle muscular dystrophy type 2J (LGMDR10). Also called: Limb-girdle muscular dystrophy, type 2J; MUSCULAR DYSTROPHY, LIMB-GIRDLE, AUTOSOMAL RECESSIVE 10. Identifiers: Orphanet 140922, MedGen C1837342, MONDO:0012127, OMIM 608807.

Submission:

Labcorp Genetics (formerly Invitae), Labcorp
Classification: Likely pathogenic for Dilated cardiomyopathy 1G; Autosomal recessive limb-girdle muscular dystrophy type 2J. Last evaluated: 2024-03-14. Review status: criteria provided, single submitter. Criteria: Invitae Variant Classification Sherloc (09022015). Collection method: clinical testing. Allele origin: germline.
Comment: This sequence change affects a donor splice site in intron 83 of the TTN gene. It is expected to disrupt RNA splicing and likely results in a truncated or disrupted TTN protein. This variant is not present in population databases (gnomAD no frequency). This variant has not been reported in the literature in individuals affected with TTN-related conditions. Algorithms developed to predict the effect of sequence changes on RNA splicing suggest that this variant may disrupt the consensus splice site. This variant is located in the I band of TTN (PMID: 25589632). Truncating variants in this region have been reported in individuals affected with autosomal recessive centronuclear myopathy (PMID: 23975875, Invitae internal data). Truncating variants in this region have also been identified in individuals affected with autosomal dominant dilated cardiomyopathy and/or cardio-related conditions (PMID: 27869827, 32964742, Invitae internal data). In summary, the currently available evidence indicates that the variant is pathogenic, but additional data are needed to prove that conclusively. Therefore, this variant has been classified as Likely Pathogenic.

Literature cited by the submitters: PubMed 25589632; PubMed 23975875; PubMed 27869827; PubMed 32964742.